The following is an entry in ClinVar:

ClinVar aggregate classification (germline): Uncertain significance. Review status: criteria provided, multiple submitters, no conflicts (2 of 4 stars). 2 submissions from 2 submitters: Uncertain significance (2). Last evaluated 2024-09-20.

Conditions:
Inborn genetic diseases. Identifiers: MedGen C0950123, MeSH D030342.

Allele frequency attached by ClinVar (database versions not stated): gnomAD 0.00002; gnomAD exomes 0.00002 and 0.00005; ExAC 0.00003; TOPMed 0.00003.
gnomAD v4.1: 67 of 1,613,220 alleles (0.0042%); highest among the groups gnomAD compares: Non-Finnish European, 0.0057%; no homozygotes.

Submissions (2):

Ambry Genetics
Classification: Uncertain significance for Inborn genetic diseases. Last evaluated: 2024-09-20. Review status: criteria provided, single submitter. Criteria: Ambry Variant Classification Scheme 2023. Collection method: clinical testing. Allele origin: germline.

Labcorp Genetics (formerly Invitae), Labcorp
Classification: Uncertain significance. Last evaluated: 2022-10-13. Review status: criteria provided, single submitter. Criteria: Invitae Variant Classification Sherloc (09022015). Collection method: clinical testing. Allele origin: germline.
Comment: This sequence change replaces lysine, which is basic and polar, with asparagine, which is neutral and polar, at codon 755 of the TUBGCP6 protein (p.Lys755Asn). This variant is present in population databases (rs769272800, gnomAD 0.006%). This variant has not been reported in the literature in individuals affected with TUBGCP6-related conditions. ClinVar contains an entry for this variant (Variation ID: 1390274). Algorithms developed to predict the effect of missense changes on protein structure and function are either unavailable or do not agree on the potential impact of this missense change (SIFT: "Deleterious"; PolyPhen-2: "Possibly Damaging"; Align-GVGD: "Class C0"). In summary, the available evidence is currently insufficient to determine the role of this variant in disease. Therefore, it has been classified as a Variant of Uncertain Significance.

NM_020461.4(TUBGCP6):c.2265G>T (p.Lys755Asn)

Gene: TUBGCP6 (tubulin gamma complex component 6; minus strand). Cytogenetic location: 22q13.33.
Variant type: single nucleotide variant.
Coding change: c.2265G>T on transcript NM_020461.4 (MANE Select); coding-DNA position 2265, G replaced by T.
Protein change: p.Lys755Asn; replaces lysine 755 with asparagine.
Molecular consequence: missense variant.
Genome position (GRCh38, 1-based): chr22:50,224,146, C>A on the plus strand (G>T on the coding strand, the complement: TUBGCP6 is on the minus strand). VCF-style: chr22-50224146-C-A. GRCh37 (hg19) VCF-style: chr22-50662575-C-A.
Other names: c.2265G>T (NM_020461.3); short protein forms K755N.
Identifiers: ClinVar variation 1390274 (VCV001390274.6), dbSNP rs769272800, ClinGen allele CA10308302.
Genomic context (GRCh38, chr22:50,224,146, plus strand): 5'-GCTATGGGGCCCCTGCCGCACTGCACCCCTGGGCCTGGAGCCCGGGCTGCCCTACCTCGC[C>A]TTCCTCTCCAGCTCCTCCTCCAGGGACTTCAGCCTTCTCTCCCTGTCTCGGAGTTCACGG-3'
Protein context (NP_065194.3, residues 745-765): LKSLEEELER[Lys755Asn]ARQALVDHYS